The following is an entry in ClinVar:

ClinVar aggregate classification (germline): Conflicting classifications of pathogenicity. Review status: criteria provided, conflicting classifications (1 of 4 stars). 2 submissions from 2 submitters: Uncertain significance (1); Likely benign (1). Last evaluated 2025-11-07.

Allele frequency attached by ClinVar (database versions not stated): 1000 Genomes Project 0.00180; 1000 Genomes Project 30x 0.00203; TOPMed 0.00250; gnomAD 0.00294; ESP Exome Variant Server 0.00300; gnomAD exomes 0.00350; ExAC 0.00435.
gnomAD v4.1: 5,484 of 1,611,650 alleles (0.34%); highest among the groups gnomAD compares: Non-Finnish European, 0.39%; 20 homozygotes.

Submissions (2):

Ambry Genetics
Classification: Uncertain significance. Last evaluated: 2025-11-07. Review status: criteria provided, single submitter. Criteria: Ambry Variant Classification Scheme 2023. Collection method: clinical testing. Allele origin: germline.

CeGaT Center for Human Genetics Tuebingen
Classification: Likely benign. Last evaluated: 2023-04-01. Review status: criteria provided, single submitter. Criteria: CeGaT Center For Human Genetics Tuebingen Variant Classification Criteria Version 2. Collection method: clinical testing. Allele origin: germline. Affected: yes. Observed: 1 variant allele.
Comment: ADGRF3: BP4, BS2

NM_001321971.2(ADGRF3):c.2494G>A (p.Val832Ile)

Gene: ADGRF3 (adhesion G protein-coupled receptor F3; minus strand). Cytogenetic location: 2p23.3.
Variant type: single nucleotide variant.
Coding change: c.2494G>A on transcript NM_001321971.2 (MANE Select); coding-DNA position 2494, G replaced by A.
Protein change: p.Val832Ile; replaces valine 832 with isoleucine.
Molecular consequence: missense variant. On other transcripts: non-coding transcript variant (3).
Genome position (GRCh38, 1-based): chr2:26,311,030, C>T on the plus strand (G>A on the coding strand, the complement: ADGRF3 is on the minus strand). VCF-style: chr2-26311030-C-T. GRCh37 (hg19) VCF-style: chr2-26533898-C-T.
Other names: c.2698G>A, p.Val900Ile (NM_001145168.1); c.2491G>A, p.Val831Ile (NM_001145169.1); c.1507G>A, p.Val503Ile (NM_001321975.2, NM_001393343.1); c.2101G>A, p.Val701Ile (NM_153835.4); short protein forms V503I, V701I, V831I, V832I, V900I.
Identifiers: ClinVar variation 2650742 (VCV002650742.24), dbSNP rs72811754, ClinGen allele CA1560756.